The following is an entry in ClinVar:

ClinVar aggregate classification (germline): Likely benign (1 of 4 stars; one submission).

gnomAD v4.1: 405 of 1,551,632 alleles (0.026%); highest among the groups gnomAD compares: Non-Finnish European, 0.032%; 1 homozygote.

Submission:

CeGaT Center for Human Genetics Tuebingen
Classification: Likely benign. Last evaluated: 2024-10-01. Review status: criteria provided, single submitter. Criteria: CeGaT Center For Human Genetics Tuebingen Variant Classification Criteria Version 2. Collection method: clinical testing. Allele origin: germline. Affected: yes. Observed: 1 variant allele.
Comment: DNHD1: BP4

NM_144666.3(DNHD1):c.2104-4T>A

Gene: DNHD1 (dynein heavy chain domain 1; plus strand). Cytogenetic location: 11p15.4.
Variant type: single nucleotide variant.
Coding change: c.2104-4T>A on transcript NM_144666.3 (MANE Select); 4 bases into the intron before coding-DNA position 2104, T replaced by A.
Molecular consequence: intron variant.
Genome position (GRCh38, 1-based): chr11:6,528,874, T>A. VCF-style: chr11-6528874-T-A. GRCh37 (hg19) VCF-style: chr11-6550104-T-A.
Identifiers: ClinVar variation 3390334 (VCV003390334.14).